The following is an entry in ClinVar:

NM_052867.4(NALCN):c.3671C>T (p.Ser1224Leu)

Gene: NALCN (sodium leak channel, non-selective; minus strand). Cytogenetic location: 13q32.3.
Variant type: single nucleotide variant.
Coding change: c.3671C>T on transcript NM_052867.4 (MANE Select); coding-DNA position 3671, C replaced by T.
Protein change: p.Ser1224Leu; replaces serine 1224 with leucine.
Molecular consequence: missense variant.
Genome position (GRCh38, 1-based): chr13:101,083,111, G>A on the plus strand (C>T on the coding strand, the complement: NALCN is on the minus strand). VCF-style: chr13-101083111-G-A. GRCh37 (hg19) VCF-style: chr13-101735462-G-A.
Other names: c.3758C>T, p.Ser1253Leu (NM_001350748.2); c.3671C>T, p.Ser1224Leu (NM_001350749.2); c.3584C>T, p.Ser1195Leu (NM_001350750.2, NM_001350751.2); short protein forms S1195L, S1224L, S1253L.
Identifiers: ClinVar variation 5018091 (VCV005018091.1).

ClinVar aggregate classification (germline): Uncertain significance (1 of 4 stars; one submission).

Submission:

GeneDx
Classification: Uncertain significance. Last evaluated: 2026-04-09. Review status: criteria provided, single submitter. Criteria: GeneDx Variant Classification Process June 2021. Collection method: clinical testing. Allele origin: germline.
Comment: Not observed at significant frequency in large population cohorts (gnomAD); In silico analysis supports that this missense variant has a deleterious effect on protein structure/function; Has not been previously published as pathogenic or benign to our knowledge